The following is an entry in ClinVar:

ClinVar aggregate classification (germline): Likely benign. Review status: criteria provided, multiple submitters, no conflicts (2 of 4 stars). 2 submissions from 2 submitters: Likely benign (2). Last evaluated 2026-02-12.

gnomAD v4.1: 161 of 1,612,474 alleles (0.01%); highest among the groups gnomAD compares: Middle Eastern, 0.25%; 1 homozygote.

Submissions (2):

Women's Health and Genetics/Laboratory Corporation of America, LabCorp
Classification: Likely benign. Last evaluated: 2026-02-12. Review status: criteria provided, single submitter. Criteria: LabCorp Variant Classification Summary - May 2015. Collection method: clinical testing. Allele origin: germline.
Comment: Variant summary: PIK3CG c.621C>T alters a conserved nucleotide resulting in a synonymous change. Consensus agreement among computation tools predict no significant impact on normal splicing. However, these predictions have yet to be confirmed by functional studies. The variant allele was found at a frequency of 7.2e-05 in 249244 control chromosomes. This frequency is not significantly higher than estimated for disease-causing variants in PIK3CG, allowing no conclusion about variant significance. To our knowledge, no occurrence of c.621C>T in individuals affected with PIK3CG-related conditions and no experimental evidence demonstrating its impact on protein function have been reported. ClinVar contains an entry for this variant (Variation ID: 3905048). Based on the evidence outlined above, the variant was classified as likely benign.

CeGaT Center for Human Genetics Tuebingen
Classification: Likely benign. Last evaluated: 2025-05-01. Review status: criteria provided, single submitter. Criteria: CeGaT Center For Human Genetics Tuebingen Variant Classification Criteria Version 2. Collection method: clinical testing. Allele origin: germline. Affected: yes. Observed: 1 variant allele.
Comment: PIK3CG: BP4, BP7

NM_001282426.2(PIK3CG):c.621C>T (p.Leu207=)

Gene: PIK3CG (phosphatidylinositol-4,5-bisphosphate 3-kinase catalytic subunit gamma; plus strand). Cytogenetic location: 7q22.3.
Variant type: single nucleotide variant.
Coding change: c.621C>T on transcript NM_001282426.2 (MANE Select); coding-DNA position 621, C replaced by T.
Protein change: p.Leu207=; no amino-acid change (leucine 207 retained).
Molecular consequence: synonymous variant.
Genome position (GRCh38, 1-based): chr7:106,868,182, C>T. VCF-style: chr7-106868182-C-T. GRCh37 (hg19) VCF-style: chr7-106508627-C-T.
Other names: c.621C>T, p.Leu207= (NM_001282427.2, NM_002649.3).
Identifiers: ClinVar variation 3905048 (VCV003905048.11).